The following is an entry in ClinVar:

NM_001458.5(FLNC):c.6200G>T (p.Arg2067Leu)

Genes: FLNC (filamin C; plus strand), FLNC-AS1 (FLNC antisense RNA 1; minus strand). Cytogenetic location: 7q32.1.
Variant type: single nucleotide variant.
Coding change: c.6200G>T on transcript NM_001458.5 (MANE Select); coding-DNA position 6200, G replaced by T.
Protein change: p.Arg2067Leu; replaces arginine 2067 with leucine.
Molecular consequence: missense variant.
Genome position (GRCh38, 1-based): chr7:128,853,023, G>T. VCF-style: chr7-128853023-G-T. GRCh37 (hg19) VCF-style: chr7-128493077-G-T.
Other names: c.6101G>T, p.Arg2034Leu (NM_001127487.2); short protein forms R2034L, R2067L.
Identifiers: ClinVar variation 4812608 (VCV004812608.1).

ClinVar aggregate classification (germline): Uncertain significance (1 of 4 stars; one submission).

Conditions:
Hypertrophic cardiomyopathy 26. Also called: Cardiomyopathy, familial hypertrophic, 26. Identifiers: Orphanet 75249, MedGen C4310749, MONDO:0014883, OMIM 617047.
Myofibrillar myopathy 5. Also called: Filaminopathy (type); FILAMINOPATHY, AUTOSOMAL DOMINANT. Identifiers: Orphanet 171445, MedGen C1836050, MONDO:0012289, OMIM 609524.
Distal myopathy with posterior leg and anterior hand involvement. Also called: WILLIAMS DISTAL MYOPATHY. Identifiers: Orphanet 63273, MedGen C3279722, MONDO:0013550, OMIM 614065.

gnomAD v4.1: 6 of 1,613,152 alleles (0.00037%); highest among the groups gnomAD compares: Non-Finnish European, 0.00042%; no homozygotes.

Submission:

Labcorp Genetics (formerly Invitae), Labcorp
Classification: Uncertain significance for Distal myopathy with posterior leg and anterior hand involvement; Myofibrillar myopathy 5; Hypertrophic cardiomyopathy 26. Last evaluated: 2025-07-13. Review status: criteria provided, single submitter. Criteria: Invitae Variant Classification Sherloc (09022015). Collection method: clinical testing. Allele origin: germline.
Comment: This sequence change replaces arginine, which is basic and polar, with leucine, which is neutral and non-polar, at codon 2067 of the FLNC protein (p.Arg2067Leu). This variant is not present in population databases (gnomAD no frequency). This variant has not been reported in the literature in individuals affected with FLNC-related conditions. Invitae Evidence Modeling of protein sequence and biophysical properties (such as structural, functional, and spatial information, amino acid conservation, physicochemical variation, residue mobility, and thermodynamic stability) has been performed for this missense variant. However, the output from this modeling did not meet the statistical confidence thresholds required to predict the impact of this variant on FLNC protein function. In summary, the available evidence is currently insufficient to determine the role of this variant in disease. Therefore, it has been classified as a Variant of Uncertain Significance.